The following is an entry in ClinVar:

NM_004733.4(SLC33A1):c.750A>G (p.Gln250=)

Gene: SLC33A1 (solute carrier family 33 member 1; minus strand). Cytogenetic location: 3q25.31.
Variant type: single nucleotide variant.
Coding change: c.750A>G on transcript NM_004733.4 (MANE Select); coding-DNA position 750, A replaced by G.
Protein change: p.Gln250=; no amino-acid change (glutamine 250 retained).
Molecular consequence: synonymous variant.
Genome position (GRCh38, 1-based): chr3:155,853,248, T>C on the plus strand (A>G on the coding strand, the complement: SLC33A1 is on the minus strand). VCF-style: chr3-155853248-T-C. GRCh37 (hg19) VCF-style: chr3-155571037-T-C.
Other names: c.750A>G, p.Gln250= (NM_001190992.2, NM_001363883.1).
Identifiers: ClinVar variation 698290 (VCV000698290.19), dbSNP rs15594, ClinGen allele CA2677385.

ClinVar aggregate classification (germline): Benign/Likely benign. Review status: criteria provided, multiple submitters, no conflicts (2 of 4 stars). 4 submissions from 4 submitters: Benign (1); Likely benign (3). Last evaluated 2025-12-01.

Conditions:
Spastic paraplegia. Identifiers: MedGen C0037772, HP:0001258.

Allele frequency attached by ClinVar (database versions not stated): ESP Exome Variant Server 0.00008; gnomAD 0.00011 and 0.00013; gnomAD exomes 0.00012 and 0.00013; ExAC 0.00014; 1000 Genomes Project 30x 0.00016; TOPMed 0.00016; 1000 Genomes Project 0.00020.
gnomAD v4.1: 193 of 1,613,898 alleles (0.012%); highest among the groups gnomAD compares: Non-Finnish European, 0.015%; no homozygotes.

Submissions (4):

CeGaT Center for Human Genetics Tuebingen
Classification: Likely benign. Last evaluated: 2025-12-01. Review status: criteria provided, single submitter. Criteria: CeGaT Center For Human Genetics Tuebingen Variant Classification Criteria Version 2. Collection method: clinical testing. Allele origin: germline. Affected: yes. Observed: 1 variant allele.
Comment: SLC33A1: BP4, BP7

Labcorp Genetics (formerly Invitae), Labcorp
Classification: Likely benign for Spastic paraplegia. Last evaluated: 2025-11-21. Review status: criteria provided, single submitter. Criteria: Invitae Variant Classification Sherloc (09022015). Collection method: clinical testing. Allele origin: germline.

Blueprint Genetics
Classification: Likely benign. Last evaluated: 2024-08-19. Review status: criteria provided, single submitter. Criteria: ACMG Guidelines, 2015. Collection method: clinical testing. Allele origin: germline.

Athena Diagnostics
Classification: Benign. Last evaluated: 2018-10-31. Review status: criteria provided, single submitter. Criteria: Athena Diagnostics Criteria. Collection method: clinical testing. Allele origin: germline.